The following is an entry in ClinVar:

ClinVar aggregate classification (germline): Conflicting classifications of pathogenicity. Review status: criteria provided, conflicting classifications (1 of 4 stars). 5 submissions from 5 submitters: Uncertain significance (1); Likely benign (4). Last evaluated 2025-08-25.

Conditions:
Hereditary cancer-predisposing syndrome. Also called: Hereditary neoplastic syndrome; Tumor predisposition; Neoplastic Syndromes, Hereditary; Hereditary Cancer Syndrome. Identifiers: Orphanet 140162, MedGen C0027672, MeSH D009386, MONDO:0015356.
Familial cancer of breast. Also called: Hereditary breast cancer; BREAST CANCER, FAMILIAL; hereditary breast carcinoma. Identifiers: Orphanet 227535, MedGen C0346153, MONDO:0016419, OMIM 114480. Disease mechanism: loss of function.
Ataxia-telangiectasia syndrome (AT). Also called: LOUIS-BAR SYNDROME; ATAXIA-TELANGIECTASIA, COMPLEMENTATION GROUP A; ATAXIA-TELANGIECTASIA, FRESNO VARIANT; Ataxia-telangiectasia; Ataxia telangiectasia (A-T); Cerebello-oculocutaneous telangiectasia. Identifiers: Orphanet 100, MedGen C0004135, MONDO:0008840, OMIM 208900.

gnomAD v4.1: 22 of 1,519,856 alleles (0.0014%); highest among the groups gnomAD compares: Non-Finnish European, 0.0018%; no homozygotes.

Submissions (5):

Labcorp Genetics (formerly Invitae), Labcorp
Classification: Likely benign for Ataxia-telangiectasia syndrome. Last evaluated: 2025-08-25. Review status: criteria provided, single submitter. Criteria: Invitae Variant Classification Sherloc (09022015). Collection method: clinical testing. Allele origin: germline.

Myriad Genetics, Inc.
Classification: Likely benign for Familial cancer of breast. Last evaluated: 2024-05-16. Review status: criteria provided, single submitter. Criteria: Myriad Autosomal Dominant, Autosomal Recessive and X-Linked Classification Criteria (2023). Collection method: clinical testing. Allele origin: unknown.
Comment: This variant is considered likely benign. This variant is intronic and is not expected to impact mRNA splicing.

Genetic Services Laboratory, University of Chicago
Classification: Uncertain significance. Last evaluated: 2019-02-08. Review status: criteria provided, single submitter. Criteria: ACMG Guidelines, 2015. Collection method: clinical testing. Allele origin: germline. Affected: no.

GeneDx
Classification: Likely benign. Last evaluated: 2017-01-13. Review status: criteria provided, single submitter. Criteria: GeneDx Variant Classification (06012015). Collection method: clinical testing. Allele origin: germline. Affected: yes.
Comment: This variant is considered likely benign or benign based on one or more of the following criteria: it is a conservative change, it occurs at a poorly conserved position in the protein, it is predicted to be benign by multiple in silico algorithms, and/or has population frequency not consistent with disease.

Color Diagnostics, LLC DBA Color Health
Classification: Likely benign for Hereditary cancer-predisposing syndrome. Last evaluated: 2015-07-16. Review status: criteria provided, single submitter. Criteria: ACMG Guidelines, 2015. Collection method: clinical testing. Allele origin: germline.

NM_000051.4(ATM):c.3994-12G>T

Gene: ATM (ATM serine/threonine kinase; plus strand). Cytogenetic location: 11q22.3.
Variant type: single nucleotide variant.
Coding change: c.3994-12G>T on transcript NM_000051.4 (MANE Select); 12 bases into the intron before coding-DNA position 3994, G replaced by T.
Molecular consequence: intron variant.
Genome position (GRCh38, 1-based): chr11:108,287,588, G>T. VCF-style: chr11-108287588-G-T. GRCh37 (hg19) VCF-style: chr11-108158315-G-T.
Other names: c.3994-12G>T (NM_001351834.2).
Identifiers: ClinVar variation 378885 (VCV000378885.16), dbSNP rs1057520398, ClinGen allele CA16606069.